The following is an entry in ClinVar:

ClinVar aggregate classification (germline): Uncertain significance (1 of 4 stars; one submission).

Allele frequency attached by ClinVar (database versions not stated): gnomAD exomes below 0.00001; TOPMed below 0.00001; gnomAD 0.00001.

Submission:

Labcorp Genetics (formerly Invitae), Labcorp
Classification: Uncertain significance. Last evaluated: 2022-02-10. Review status: criteria provided, single submitter. Criteria: Invitae Variant Classification Sherloc (09022015). Collection method: clinical testing. Allele origin: germline.
Comment: This variant is not present in population databases (gnomAD no frequency). In summary, the available evidence is currently insufficient to determine the role of this variant in disease. Therefore, it has been classified as a Variant of Uncertain Significance. Algorithms developed to predict the effect of missense changes on protein structure and function are either unavailable or do not agree on the potential impact of this missense change (SIFT: "Tolerated"; PolyPhen-2: "Possibly Damaging"; Align-GVGD: "Class C0"). This variant has not been reported in the literature in individuals affected with PTPN23-related conditions. This sequence change replaces proline, which is neutral and non-polar, with leucine, which is neutral and non-polar, at codon 1044 of the PTPN23 protein (p.Pro1044Leu).

NM_015466.4(PTPN23):c.3131C>T (p.Pro1044Leu)

Gene: PTPN23 (protein tyrosine phosphatase non-receptor type 23; plus strand). Cytogenetic location: 3p21.31.
Variant type: single nucleotide variant.
Coding change: c.3131C>T on transcript NM_015466.4 (MANE Select); coding-DNA position 3131, C replaced by T.
Protein change: p.Pro1044Leu; replaces proline 1044 with leucine.
Molecular consequence: missense variant.
Genome position (GRCh38, 1-based): chr3:47,410,929, C>T. VCF-style: chr3-47410929-C-T. GRCh37 (hg19) VCF-style: chr3-47452419-C-T.
Other names: c.2753C>T, p.Pro918Leu (NM_001304482.2); short protein forms P918L, P1044L.
Identifiers: ClinVar variation 1494339 (VCV001494339.6), dbSNP rs1705268509, ClinGen allele CA352561203.